The following is an entry in ClinVar:

ClinVar aggregate classification (germline): Pathogenic/Likely pathogenic. Review status: criteria provided, multiple submitters, no conflicts (2 of 4 stars). 5 submissions from 5 submitters: Pathogenic (2); Likely pathogenic (2). 1 of the submissions does not count toward it. Last evaluated 2024-04-06.

Conditions:
Propionic acidemia (PROP). Also called: HYPERGLYCINEMIA WITH KETOACIDOSIS AND LEUKOPENIA; KETOTIC HYPERGLYCINEMIA; GLYCINEMIA, KETOTIC. Identifiers: Orphanet 35, MedGen C0268579, MONDO:0011628, OMIM 606054, HP:0003571.

Allele frequency attached by ClinVar (database versions not stated): gnomAD exomes below 0.00001.

Submissions (5):

Fulgent Genetics
Classification: Likely pathogenic for Propionic acidemia. Last evaluated: 2024-04-06. Review status: criteria provided, single submitter. Criteria: ACMG Guidelines, 2015. Collection method: clinical testing. Allele origin: germline.

Labcorp Genetics (formerly Invitae), Labcorp
Classification: Pathogenic for Propionic acidemia. Last evaluated: 2022-11-07. Review status: criteria provided, single submitter. Criteria: Invitae Variant Classification Sherloc (09022015). Collection method: clinical testing. Allele origin: germline.
Comment: For these reasons, this variant has been classified as Pathogenic. This variant disrupts a region of the PCCA protein in which other variant(s) (p.Arg399Trp) have been determined to be pathogenic (PMID: 30274917; Invitae). This suggests that this is a clinically significant region of the protein, and that variants that disrupt it are likely to be disease-causing. Variants that disrupt the consensus splice site are a relatively common cause of aberrant splicing (PMID: 17576681, 9536098). Studies have shown that this variant results in skipping of exon 13, but is expected to preserve the integrity of the reading-frame (PMID: 17051315, 21094621). ClinVar contains an entry for this variant (Variation ID: 553422). This variant has been observed in individuals with propionic acidemia (PMID: 17051315, 22033733, 31319225). This variant is present in population databases (no rsID available, gnomAD 0.0009%). This sequence change falls in intron 13 of the PCCA gene. It does not directly change the encoded amino acid sequence of the PCCA protein. RNA analysis indicates that this variant induces altered splicing and likely results in a shortened protein product.

CeGaT Center for Human Genetics Tuebingen
Classification: Likely pathogenic. Last evaluated: 2022-07-01. Review status: criteria provided, single submitter. Criteria: CeGaT Center For Human Genetics Tuebingen Variant Classification Criteria Version 2. Collection method: clinical testing. Allele origin: germline. Affected: yes. Observed: 1 variant allele.

Institute of Human Genetics, University of Leipzig Medical Center
Classification: Pathogenic for Propionic acidemia. Last evaluated: 2019-01-01. Review status: criteria provided, single submitter. Criteria: ACMG Guidelines, 2015. Collection method: clinical testing. Allele origin: unknown. Affected: yes.

Counsyl
Classification: Likely pathogenic for Propionic acidemia. Last evaluated: 2017-08-18. Review status: no assertion criteria provided. Collection method: clinical testing. Allele origin: unknown. Not counted in ClinVar's aggregate classification.

Literature cited by the submitters: PubMed 30274917 (cited by Labcorp Genetics (formerly Invitae), Labcorp); PubMed 17576681 (cited by Labcorp Genetics (formerly Invitae), Labcorp); PubMed 9536098 (cited by Labcorp Genetics (formerly Invitae), Labcorp); PubMed 17051315 (cited by Labcorp Genetics (formerly Invitae), Labcorp and Counsyl); PubMed 21094621 (cited by Labcorp Genetics (formerly Invitae), Labcorp and Counsyl); PubMed 22033733 (cited by Labcorp Genetics (formerly Invitae), Labcorp); PubMed 31319225 (cited by Labcorp Genetics (formerly Invitae), Labcorp).

NM_000282.4(PCCA):c.1209+3A>G

Gene: PCCA (propionyl-CoA carboxylase subunit alpha; plus strand). Cytogenetic location: 13q32.3.
Variant type: single nucleotide variant.
Coding change: c.1209+3A>G on transcript NM_000282.4 (MANE Select); 3 bases into the intron after coding-DNA position 1209, A replaced by G.
Molecular consequence: intron variant.
Genome position (GRCh38, 1-based): chr13:100,301,606, A>G. VCF-style: chr13-100301606-A-G. GRCh37 (hg19) VCF-style: chr13-100953860-A-G.
Other names: c.1209+3A>G (NM_001178004.2, NM_001352605.2, NM_001352609.2); c.1066-1318A>G (NM_001352606.2); c.264+3A>G (NM_001352610.2, NM_001352611.2); c.121-1318A>G (NM_001352612.2); c.1131+3A>G (NM_001127692.3, NM_001352607.2); c.988-1318A>G (NM_001352608.2).
Identifiers: ClinVar variation 553422 (VCV000553422.38), dbSNP rs1467680142, ClinGen allele CA612003058.